The following is an entry in ClinVar:

ClinVar aggregate classification (germline): Likely benign. Review status: criteria provided, multiple submitters, no conflicts (2 of 4 stars). 6 submissions from 5 submitters: Likely benign (6). Last evaluated 2025-12-01.

Conditions:
Autosomal dominant nocturnal frontal lobe epilepsy 5. Also called: KCNT1-Related Epilepsy; CILIARY DYSKINESIA, PRIMARY, 28, WITHOUT SITUS INVERSUS; CILIARY DYSKINESIA, PRIMARY, 28, WITH SITUS INVERSUS; Epilepsy, nocturnal frontal lobe, 5. Identifiers: Orphanet 98784, MedGen C3554306, MONDO:0014002, OMIM 615005.
Developmental and epileptic encephalopathy, 14 (DEE14). Also called: Early infantile epileptic encephalopathy 14. Identifiers: Orphanet 293181, MedGen C3554195, MONDO:0013989, OMIM 614959.

Allele frequency attached by ClinVar (database versions not stated): gnomAD 0.00001 and 0.00002; gnomAD exomes 0.00002 and 0.00005; TOPMed 0.00002; ExAC 0.00006; 1000 Genomes Project 30x 0.00016; 1000 Genomes Project 0.00020.

Submissions (6):

Labcorp Genetics (formerly Invitae), Labcorp
Classification: Likely benign for Autosomal dominant nocturnal frontal lobe epilepsy 5; Developmental and epileptic encephalopathy, 14. Last evaluated: 2025-12-01. Review status: criteria provided, single submitter. Criteria: Invitae Variant Classification Sherloc (09022015). Collection method: clinical testing. Allele origin: germline.

Blueprint Genetics
Classification: Likely benign. Last evaluated: 2024-01-05. Review status: criteria provided, single submitter. Criteria: ACMG Guidelines, 2015. Collection method: clinical testing. Allele origin: germline.

Athena Diagnostics
Classification: Likely benign. Last evaluated: 2024-01-03. Review status: criteria provided, single submitter. Criteria: Athena Diagnostics Criteria. Collection method: clinical testing. Allele origin: unknown.

Genome-Nilou Lab
Classification: Likely benign for Developmental and epileptic encephalopathy, 14. Last evaluated: 2022-03-15. Review status: criteria provided, single submitter. Criteria: ACMG Guidelines, 2015. Collection method: clinical testing. Allele origin: germline. Affected: no.

Genome-Nilou Lab
Classification: Likely benign for Autosomal dominant nocturnal frontal lobe epilepsy 5. Last evaluated: 2022-03-15. Review status: criteria provided, single submitter. Criteria: ACMG Guidelines, 2015. Collection method: clinical testing. Allele origin: germline. Affected: no.

GeneDx
Classification: Likely benign. Last evaluated: 2016-09-03. Review status: criteria provided, single submitter. Criteria: GeneDx Variant Classification (06012015). Collection method: clinical testing. Allele origin: germline. Affected: yes.
Comment: This variant is considered likely benign or benign based on one or more of the following criteria: it is a conservative change, it occurs at a poorly conserved position in the protein, it is predicted to be benign by multiple in silico algorithms, and/or has population frequency not consistent with disease.

NM_020822.3(KCNT1):c.1992C>T (p.Ser664=)

Gene: KCNT1 (potassium sodium-activated channel subfamily T member 1; plus strand). Cytogenetic location: 9q34.3.
Variant type: single nucleotide variant.
Coding change: c.1992C>T on transcript NM_020822.3 (MANE Select); coding-DNA position 1992, C replaced by T.
Protein change: p.Ser664=; no amino-acid change (serine 664 retained).
Molecular consequence: synonymous variant.
Genome position (GRCh38, 1-based): chr9:135,771,079, C>T. VCF-style: chr9-135771079-C-T. GRCh37 (hg19) VCF-style: chr9-138662925-C-T.
Other names: c.1857C>T, p.Ser619= (NM_001272003.2).
Identifiers: ClinVar variation 388934 (VCV000388934.12), dbSNP rs558095270, ClinGen allele CA5327133.